The following is an entry in ClinVar:

NM_000059.4(BRCA2):c.67+62T>G

Gene: BRCA2 (BRCA2 DNA repair associated; plus strand). Cytogenetic location: 13q13.1.
Variant type: single nucleotide variant.
Coding change: c.67+62T>G on transcript NM_000059.4 (MANE Select); 62 bases into the intron after coding-DNA position 67, T replaced by G.
Molecular consequence: intron variant.
Genome position (GRCh38, 1-based): chr13:32,316,589, T>G. VCF-style: chr13-32316589-T-G. GRCh37 (hg19) VCF-style: chr13-32890726-T-G.
Other names: IVS2+62T/G; IVS2+62T>G.
Identifiers: ClinVar variation 125991 (VCV000125991.54), dbSNP rs11571574, ClinGen allele CA024387.

ClinVar aggregate classification (germline): Benign/Likely benign. Review status: criteria provided, multiple submitters, no conflicts (2 of 4 stars). 11 submissions from 11 submitters: Benign (3); Likely benign (4). 4 of the submissions do not count toward it. Last evaluated 2026-09-01.

Conditions:
Hereditary cancer-predisposing syndrome. Also called: Neoplastic Syndromes, Hereditary; Hereditary Cancer Syndrome; Tumor predisposition; Hereditary neoplastic syndrome. Identifiers: Orphanet 140162, MedGen C0027672, MeSH D009386, MONDO:0015356.
Hereditary breast ovarian cancer syndrome. Also called: Hereditary breast and ovarian cancer syndrome; Breast and ovarian cancer; BRCA1- and BRCA2-Associated Hereditary Breast and Ovarian Cancer; Hereditary breast and ovarian cancer; Hereditary breast and ovarian cancer syndrome (HBOC); Hereditary breast and/or ovarian cancer syndrome. Identifiers: Orphanet 145, MedGen C0677776, MeSH D061325, MONDO:0003582. Disease mechanism: loss of function.
Breast-ovarian cancer, familial, susceptibility to, 2 (BROVCA2). Also called: BRCA2 Hereditary Breast and Ovarian Cancer. Identifiers: Orphanet 145, MedGen C2675520, MONDO:0012933, OMIM 612555. Disease mechanism: loss of function.

Allele frequency attached by ClinVar (database versions not stated): gnomAD exomes 0.00252; 1000 Genomes Project 30x 0.00265; gnomAD 0.00274 and 0.00284; 1000 Genomes Project 0.00280; TOPMed 0.00309; ESP Exome Variant Server 0.00350.
gnomAD v4.1: 3,854 of 1,469,116 alleles (0.26%); highest among the groups gnomAD compares: Middle Eastern, 2.3%; 22 homozygotes.

Submissions (11):

CeGaT Center for Human Genetics Tuebingen
Classification: Likely benign. Last evaluated: 2026-09-01. Review status: criteria provided, single submitter. Criteria: CeGaT Center For Human Genetics Tuebingen Variant Classification Criteria Version 2. Collection method: clinical testing. Allele origin: germline. Affected: yes. Observed: 35 variant alleles.
Comment: BRCA2: BS2

Labcorp Genetics (formerly Invitae), Labcorp
Classification: Benign for Hereditary breast ovarian cancer syndrome. Last evaluated: 2025-10-01. Review status: criteria provided, single submitter. Criteria: Invitae Variant Classification Sherloc (09022015). Collection method: clinical testing. Allele origin: germline.

Sema4
Classification: Likely benign for Hereditary cancer-predisposing syndrome. Last evaluated: 2021-03-19. Review status: criteria provided, single submitter. Criteria: Sema4 Curation Guidelines. Collection method: curation. Allele origin: germline.

Department of Pathology and Laboratory Medicine, Sinai Health System
Classification: Likely benign. Last evaluated: 2017-10-25. Review status: criteria provided, single submitter. Criteria: ACMG Guidelines, 2015. Collection method: clinical testing. Allele origin: germline. Affected: yes. Study: Canadian Open Genetics Repository (COGR).

ARUP Laboratories, Molecular Genetics and Genomics, ARUP Laboratories
Classification: Benign. Last evaluated: 2017-05-01. Review status: criteria provided, single submitter. Criteria: ARUP Molecular Germline Variant Investigation Process. Collection method: clinical testing. Allele origin: germline.

Color Diagnostics, LLC DBA Color Health
Classification: Benign for Hereditary cancer-predisposing syndrome. Last evaluated: 2015-03-11. Review status: criteria provided, single submitter. Criteria: ACMG Guidelines, 2015. Collection method: clinical testing. Allele origin: germline.

Breakthrough Genomics
Classification: Likely benign. Review status: criteria provided, single submitter. Criteria: ACMG Guidelines, 2015. Collection method: not provided. Allele origin: germline. Inheritance: Autosomal recessive inheritance. Affected: yes.

Breast Cancer Information Core (BIC) (BRCA2)
Classification: Uncertain significance for Breast-ovarian cancer, familial 2. Last evaluated: 2010-12-17. Review status: no assertion criteria provided. Collection method: clinical testing. Allele origin: germline. Affected: yes. Observed: 4 variant alleles. Not counted in ClinVar's aggregate classification.

Clinical Genetics Laboratory, Department of Pathology, Netherlands Cancer Institute
Classification: Benign. Review status: no assertion criteria provided. Collection method: clinical testing. Allele origin: germline. Affected: yes. Study: VKGL Data-share Consensus. Not counted in ClinVar's aggregate classification.

Genome Diagnostics Laboratory, University Medical Center Utrecht
Classification: Benign. Review status: no assertion criteria provided. Collection method: clinical testing. Allele origin: germline. Affected: yes. Study: VKGL Data-share Consensus. Not counted in ClinVar's aggregate classification.

Joint Genome Diagnostic Labs from Nijmegen and Maastricht, Radboudumc and MUMC+
Classification: Likely benign. Review status: no assertion criteria provided. Collection method: clinical testing. Allele origin: germline. Affected: yes. Study: VKGL Data-share Consensus. Not counted in ClinVar's aggregate classification.